The following is an entry in ClinVar:

ClinVar aggregate classification (germline): Likely pathogenic (1 of 4 stars; one submission).

Submission:

GeneDx
Classification: Likely pathogenic. Last evaluated: 2024-02-08. Review status: criteria provided, single submitter. Criteria: GeneDx Variant Classification Process June 2021. Collection method: clinical testing. Allele origin: germline. Affected: yes.
Comment: Canonical splice site variant predicted to result in an in-frame loss of the adjacent exon in a gene for which loss of function is a known mechanism of disease; Not observed at significant frequency in large population cohorts (gnomAD); Deletions involving coding exons of this gene are a known mechanism of disease (HGMD; other references); Has not been previously published as pathogenic or benign to our knowledge

NM_182961.4(SYNE1):c.20199+2T>C

Gene: SYNE1 (spectrin repeat containing nuclear envelope protein 1; minus strand). Cytogenetic location: 6q25.2.
Variant type: single nucleotide variant.
Coding change: c.20199+2T>C on transcript NM_182961.4 (MANE Select); the canonical splice donor site of the intron after coding-DNA position 20199, T replaced by C.
Molecular consequence: splice donor variant.
Genome position (GRCh38, 1-based): chr6:152,236,815, A>G on the plus strand (T>C on the coding strand, the complement: SYNE1 is on the minus strand). VCF-style: chr6-152236815-A-G. GRCh37 (hg19) VCF-style: chr6-152557950-A-G.
Other names: c.19986+2T>C (NM_033071.5).
Identifiers: ClinVar variation 3359781 (VCV003359781.1).